The following is an entry in ClinVar:

ClinVar aggregate classification (germline): Uncertain significance (1 of 4 stars; one submission).

Conditions:
Primary ciliary dyskinesia. Also called: Ciliary dyskinesia. Identifiers: Orphanet 244, MedGen C0008780, MONDO:0016575, HP:0012265.

Allele frequency attached by ClinVar (database versions not stated): gnomAD exomes below 0.00001; ExAC 0.00001; gnomAD 0.00003; TOPMed 0.00003.
gnomAD v4.1: 9 of 1,613,322 alleles (0.00056%); highest among the groups gnomAD compares: African/African-American, 0.012%; no homozygotes.

Submission:

Ambry Genetics
Classification: Uncertain significance for Primary ciliary dyskinesia. Last evaluated: 2022-04-03. Review status: criteria provided, single submitter. Criteria: Ambry Variant Classification Scheme 2023. Collection method: clinical testing. Allele origin: germline.
Comment: The p.F430S variant (also known as c.1289T>C), located in coding exon 7 of the DNAH11 gene, results from a T to C substitution at nucleotide position 1289. The phenylalanine at codon 430 is replaced by serine, an amino acid with highly dissimilar properties. This amino acid position is conserved. In addition, this alteration is predicted to be tolerated by in silico analysis. Since supporting evidence is limited at this time, the clinical significance of this alteration remains unclear.

NM_001277115.2(DNAH11):c.1289T>C (p.Phe430Ser)

Gene: DNAH11 (dynein axonemal heavy chain 11; plus strand). Cytogenetic location: 7p15.3.
Variant type: single nucleotide variant.
Coding change: c.1289T>C on transcript NM_001277115.2 (MANE Select); coding-DNA position 1289, T replaced by C.
Protein change: p.Phe430Ser; replaces phenylalanine 430 with serine.
Molecular consequence: missense variant.
Genome position (GRCh38, 1-based): chr7:21,570,163, T>C. VCF-style: chr7-21570163-T-C. GRCh37 (hg19) VCF-style: chr7-21609781-T-C.
Other names: c.1289T>C, p.Phe430Ser (NM_003777.3); short protein forms F430S.
Identifiers: ClinVar variation 1769048 (VCV001769048.2), dbSNP rs759050942, ClinGen allele CA4178947.
Genomic context (GRCh38, chr7:21,570,163, plus strand): 5'-GGGGAGAAATAGAAGAGTCACTGGAAAAGGTGCAGGTGGCTGTTAACATCTTAAAGACTT[T>C]CAAAAACTCCTTTTTCAACTATAGAAAAAAATTGGCAAGCTACTTTATGGGAAGAAAGCT-3'
Protein context (NP_001264044.1, residues 420-440): VQVAVNILKT[Phe430Ser]KNSFFNYRKK